The following is an entry in ClinVar:

ClinVar aggregate classification (germline): Uncertain significance (1 of 4 stars; one submission).

Conditions:
Polyglucosan body myopathy type 1 (PGBM1). Also called: Polyglucosan body myopathy 1 with or without immunodeficiency; POLYGLUCOSAN BODY MYOPATHY WITHOUT IMMUNODEFICIENCY. Identifiers: Orphanet 329173, Orphanet 397937, MedGen C4014605, MONDO:0014389, OMIM 615895.

Allele frequency attached by ClinVar (database versions not stated): gnomAD exomes below 0.00001 and 0.00002; ExAC 0.00001; gnomAD 0.00001; TOPMed 0.00001.
gnomAD v4.1: 32 of 1,606,954 alleles (0.002%); highest among the groups gnomAD compares: Non-Finnish European, 0.0023%; no homozygotes.

Submission:

Labcorp Genetics (formerly Invitae), Labcorp
Classification: Uncertain significance for Polyglucosan body myopathy type 1. Last evaluated: 2022-08-31. Review status: criteria provided, single submitter. Criteria: Invitae Variant Classification Sherloc (09022015). Collection method: clinical testing. Allele origin: germline.
Comment: In summary, the available evidence is currently insufficient to determine the role of this variant in disease. Therefore, it has been classified as a Variant of Uncertain Significance. Algorithms developed to predict the effect of missense changes on protein structure and function are either unavailable or do not agree on the potential impact of this missense change (SIFT: "Not Available"; PolyPhen-2: "Benign"; Align-GVGD: "Not Available"). ClinVar contains an entry for this variant (Variation ID: 969223). This variant has not been reported in the literature in individuals affected with RBCK1-related conditions. This variant is present in population databases (rs748158080, gnomAD 0.006%). This sequence change replaces arginine, which is basic and polar, with glutamine, which is neutral and polar, at codon 150 of the RBCK1 protein (p.Arg150Gln).

NM_031229.4(RBCK1):c.449G>A (p.Arg150Gln)

Gene: RBCK1 (RANBP2-type and C3HC4-type zinc finger containing 1; plus strand). Cytogenetic location: 20p13.
Variant type: single nucleotide variant.
Coding change: c.449G>A on transcript NM_031229.4 (MANE Select); coding-DNA position 449, G replaced by A.
Protein change: p.Arg150Gln; replaces arginine 150 with glutamine.
Molecular consequence: missense variant. On other transcripts: non-coding transcript variant (1).
Genome position (GRCh38, 1-based): chr20:417,919, G>A. VCF-style: chr20-417919-G-A. GRCh37 (hg19) VCF-style: chr20-398563-G-A.
Other names: c.100G>A, p.Gly34Arg (NM_001323956.2, NM_001323958.2); c.323G>A, p.Arg108Gln (NM_006462.6); short protein forms R108Q, R150Q, G34R.
Identifiers: ClinVar variation 969223 (VCV000969223.9), dbSNP rs748158080, ClinGen allele CA9723072.